The following is an entry in ClinVar:

NM_020937.4(FANCM):c.2623A>G (p.Ile875Val)

Gene: FANCM (FA complementation group M; plus strand). Cytogenetic location: 14q21.2.
Variant type: single nucleotide variant.
Coding change: c.2623A>G on transcript NM_020937.4 (MANE Select); coding-DNA position 2623, A replaced by G.
Protein change: p.Ile875Val; replaces isoleucine 875 with valine.
Molecular consequence: missense variant.
Genome position (GRCh38, 1-based): chr14:45,175,377, A>G. VCF-style: chr14-45175377-A-G. GRCh37 (hg19) VCF-style: chr14-45644580-A-G.
Other names: c.2545A>G, p.Ile849Val (NM_001308133.2); short protein forms I849V, I875V.
Identifiers: ClinVar variation 3512998 (VCV003512998.2).

ClinVar aggregate classification (germline): Uncertain significance. Review status: criteria provided, multiple submitters, no conflicts (2 of 4 stars). 2 submissions from 2 submitters: Uncertain significance (2). Last evaluated 2025-02-26.

Conditions:
Fanconi anemia (FA). Also called: Fanconi's anemia. Identifiers: Orphanet 84, MedGen C0015625, MeSH D005199, MONDO:0019391.
Inborn genetic diseases. Identifiers: MedGen C0950123, MeSH D030342.

gnomAD v4.1: 3 of 1,563,538 alleles (0.00019%); highest among the groups gnomAD compares: Admixed American, 0.0038%; no homozygotes.

Submissions (2):

Labcorp Genetics (formerly Invitae), Labcorp
Classification: Uncertain significance for Fanconi anemia. Last evaluated: 2025-02-26. Review status: criteria provided, single submitter. Criteria: Invitae Variant Classification Sherloc (09022015). Collection method: clinical testing. Allele origin: germline.
Comment: This sequence change replaces isoleucine, which is neutral and non-polar, with valine, which is neutral and non-polar, at codon 875 of the FANCM protein (p.Ile875Val). This variant is present in population databases (no rsID available, gnomAD 0.007%). This variant has not been reported in the literature in individuals affected with FANCM-related conditions. ClinVar contains an entry for this variant (Variation ID: 3512998). An algorithm developed to predict the effect of missense changes on protein structure and function outputs the following: PolyPhen-2: "Benign". The valine amino acid residue is found in multiple mammalian species, which suggests that this missense change does not adversely affect protein function. In summary, the available evidence is currently insufficient to determine the role of this variant in disease. Therefore, it has been classified as a Variant of Uncertain Significance.

Ambry Genetics
Classification: Uncertain significance for Inborn genetic diseases. Last evaluated: 2024-12-10. Review status: criteria provided, single submitter. Criteria: Ambry Variant Classification Scheme 2023. Collection method: clinical testing. Allele origin: germline.
Comment: The p.I875V variant (also known as c.2623A>G), located in coding exon 14 of the FANCM gene, results from an A to G substitution at nucleotide position 2623. The isoleucine at codon 875 is replaced by valine, an amino acid with highly similar properties. This amino acid position is conserved. In addition, this alteration is predicted to be tolerated by in silico analysis. Based on the available evidence, the clinical significance of this variant remains unclear.